The following is an entry in ClinVar:

NM_030653.4(DDX11):c.1185G>A (p.Ala395=)

Gene: DDX11 (DEAD/H-box helicase 11; plus strand). Cytogenetic location: 12p11.21.
Variant type: single nucleotide variant.
Coding change: c.1185G>A on transcript NM_030653.4 (MANE Select); coding-DNA position 1185, G replaced by A.
Protein change: p.Ala395=; no amino-acid change (alanine 395 retained).
Molecular consequence: synonymous variant. On other transcripts: non-coding transcript variant (4).
Genome position (GRCh38, 1-based): chr12:31,091,814, G>A. VCF-style: chr12-31091814-G-A. GRCh37 (hg19) VCF-style: chr12-31244748-G-A.
Other names: c.1185G>A, p.Ala395= (NM_001257144.2, NM_001413692.1, NM_001413693.1 and 5 more transcripts); c.1107G>A, p.Ala369= (NM_001257145.2, NM_001413697.1, NM_001413698.1 and 1 more transcripts); c.1098G>A, p.Ala366= (NM_001413700.1); c.657G>A, p.Ala219= (NM_001413702.1, NM_001413703.1); c.324G>A, p.Ala108= (NM_001413704.1, NM_001413705.1); c.219G>A, p.Ala73= (NM_001413706.1).
Identifiers: ClinVar variation 1801981 (VCV001801981.2), dbSNP rs150466604, ClinGen allele CA6501126.
Genomic context (GRCh38, chr12:31,091,814, plus strand): 5'-GGCCACTCGGCAGGCCGCGGGCATCCGGCTGCAGGACCAGGTGGTGATCATCGACGAGGC[G>A]CACAACCTGATCGACACCATCACGGGCATGCACAGCGTGGAGGTCAGCGGCTCCCAGGTG-3'
Protein context (NP_085911.2, residues 385-405): LQDQVVIIDE[Ala395=]HNLIDTITGM

ClinVar aggregate classification (germline): Benign. Review status: criteria provided, multiple submitters, no conflicts (2 of 4 stars). 2 submissions from 2 submitters: Benign (2). Last evaluated 2026-02-04.

Allele frequency attached by ClinVar (database versions not stated): ESP Exome Variant Server 0.00354; gnomAD exomes 0.01999; gnomAD 0.02788; 1000 Genomes Project 30x 0.08885; TOPMed 0.02838; ExAC 0.05066.
gnomAD v4.1: 33,933 of 1,613,304 alleles (2.1%); highest among the groups gnomAD compares: East Asian, 21%; 1,281 homozygotes.

Submissions (2):

Labcorp Genetics (formerly Invitae), Labcorp
Classification: Benign. Last evaluated: 2026-02-04. Review status: criteria provided, single submitter. Criteria: Invitae Variant Classification Sherloc (09022015). Collection method: clinical testing. Allele origin: germline.

GeneDx
Classification: Benign. Last evaluated: 2021-07-14. Review status: criteria provided, single submitter. Criteria: GeneDx Variant Classification Process June 2021. Collection method: clinical testing. Allele origin: germline. Affected: yes.
Comment: See Variant Classification Assertion Criteria.